The following is an entry in ClinVar:

NM_001386298.1(CIC):c.2843C>T (p.Ser948Phe)

Gene: CIC (capicua transcriptional repressor; plus strand). Cytogenetic location: 19q13.2.
Variant type: single nucleotide variant.
Coding change: c.2843C>T on transcript NM_001386298.1 (MANE Select); coding-DNA position 2843, C replaced by T.
Protein change: p.Ser948Phe; replaces serine 948 with phenylalanine.
Molecular consequence: missense variant.
Genome position (GRCh38, 1-based): chr19:42,286,819, C>T. VCF-style: chr19-42286819-C-T. GRCh37 (hg19) VCF-style: chr19-42790971-C-T.
Other names: c.2843C>T, p.Ser948Phe (NM_001304815.2, NM_001379480.1, NM_001379482.1); c.116C>T, p.Ser39Phe (NM_001379484.1, NM_001379485.1, NM_015125.5); short protein forms S39F, S948F.
Identifiers: ClinVar variation 3359741 (VCV003359741.1).

ClinVar aggregate classification (germline): Uncertain significance (1 of 4 stars; one submission).

Submission:

GeneDx
Classification: Uncertain significance. Last evaluated: 2023-06-14. Review status: criteria provided, single submitter. Criteria: GeneDx Variant Classification Process June 2021. Collection method: clinical testing. Allele origin: germline. Affected: yes.
Comment: Not observed at significant frequency in large population cohorts (gnomAD); In silico analysis supports that this missense variant has a deleterious effect on protein structure/function; Has not been previously published as pathogenic or benign to our knowledge